The following is an entry in ClinVar:

NC_000022.11:g.40346143T>C

Gene: ADSL (adenylosuccinate lyase; plus strand). Cytogenetic location: 22q13.1.
Variant type: single nucleotide variant.
Genome position: GRCh38 VCF-style: chr22-40346143-T-C. GRCh37 (hg19) VCF-style: chr22-40742147-T-C.
Identifiers: ClinVar variation 1434709 (VCV001434709.4), dbSNP rs978591450, ClinGen allele CA324446627.
Genomic context (GRCh38, chr22:40,346,143, plus strand): 5'-CTAACACTGAATCCGCACAACCCGAAAGGCAGGCCTTTTTTTTTTTTTTTTTTTTTGCTT[T>C]TTGTTTTTTAGAGACGGGAGGGTCTCCCTGTGTTGCCCAGGCTGGTCTCGATCTGTCGGC-3'

ClinVar aggregate classification (germline): Uncertain significance (1 of 4 stars; one submission).

Conditions:
Adenylosuccinate lyase deficiency (ADSLD). Also called: ADSL DEFICIENCY. Identifiers: Orphanet 46, MedGen C0268126, MONDO:0007068, OMIM 103050.

Allele frequency attached by ClinVar (database versions not stated): gnomAD 0.00007 and 0.00009.

Submission:

Labcorp Genetics (formerly Invitae), Labcorp
Classification: Uncertain significance for Adenylosuccinate lyase deficiency. Last evaluated: 2026-01-19. Review status: criteria provided, single submitter. Criteria: Invitae Variant Classification Sherloc (09022015). Collection method: clinical testing. Allele origin: germline.
Comment: This variant occurs in a non-coding region of the ADSL gene. It does not change the encoded amino acid sequence of the ADSL protein. The frequency data for this variant in the population databases is considered unreliable, as metrics indicate poor data quality at this position in the gnomAD database. This variant has not been reported in the literature in individuals affected with ADSL-related conditions. Experimental studies and prediction algorithms are not available or were not evaluated, and the functional significance of this variant is currently unknown. In summary, the available evidence is currently insufficient to determine the role of this variant in disease. Therefore, it has been classified as a Variant of Uncertain Significance.